The following is an entry in ClinVar:

NM_001199107.2(TBC1D24):c.556C>G (p.Leu186Val)

Gene: TBC1D24 (TBC1 domain family member 24; plus strand). Cytogenetic location: 16p13.3.
Variant type: single nucleotide variant.
Coding change: c.556C>G on transcript NM_001199107.2 (MANE Select); coding-DNA position 556, C replaced by G.
Protein change: p.Leu186Val; replaces leucine 186 with valine.
Molecular consequence: missense variant.
Genome position (GRCh38, 1-based): chr16:2,496,704, C>G. VCF-style: chr16-2496704-C-G. GRCh37 (hg19) VCF-style: chr16-2546705-C-G.
Other names: c.556C>G, p.Leu186Val (NM_020705.3); short protein forms L186V.
Identifiers: ClinVar variation 474308 (VCV000474308.9), dbSNP rs1555501245, ClinGen allele CA394376544.
Genomic context (GRCh38, chr16:2,496,704, plus strand): 5'-AGGAGGCTGATCGACCAGAGCTTCCTGGCCTTTGAGTCGTCCTGCATGACGTTTGGGGAC[C>G]TGGTGAACAAGTACTGCCAGGCGGCCCACAAGCTGATGGTGGCCGTGTCGGAGGATGTCC-3'
Protein context (NP_001186036.1, residues 176-196): FESSCMTFGD[Leu186Val]VNKYCQAAHK

ClinVar aggregate classification (germline): Uncertain significance (1 of 4 stars; one submission).

Conditions:
Developmental and epileptic encephalopathy, 1 (DEE1). Also called: X-linked infantile spasms; West's syndrome; Tonic spasms with clustering, arrest of psychomotor development and hypsarrhythmia on EEG; X-Linked Infantile Spasm Syndrome; OHTAHARA SYNDROME, X-LINKED; Epileptic encephalopathy, early infantile, 1. Identifiers: MedGen C3463992, MONDO:0010632, OMIM 308350. Disease mechanism: loss of function.
Autosomal dominant nonsyndromic hearing loss 65. Also called: Deafness, autosomal dominant 65; TBC1D24-Related Autosomal Dominant Nonsyndromic Hearing Loss (DFNA). Identifiers: Orphanet 90635, MedGen C3892048, MONDO:0014470, OMIM 616044.

Submission:

Labcorp Genetics (formerly Invitae), Labcorp
Classification: Uncertain significance for Developmental and epileptic encephalopathy, 1; Autosomal dominant nonsyndromic hearing loss 65. Last evaluated: 2020-02-21. Review status: criteria provided, single submitter. Criteria: Invitae Variant Classification Sherloc (09022015). Collection method: clinical testing. Allele origin: germline.
Comment: Algorithms developed to predict the effect of missense changes on protein structure and function are either unavailable or do not agree on the potential impact of this missense change (SIFT: "Deleterious"; PolyPhen-2: "Probably Damaging"; Align-GVGD: "Class C15"). This sequence change replaces leucine with valine at codon 186 of the TBC1D24 protein (p.Leu186Val). The leucine residue is highly conserved and there is a small physicochemical difference between leucine and valine. This variant is not present in population databases (ExAC no frequency). This variant has been observed in individual(s) with clinical features of autosomal recessive TBC1D24-related conditions (Invitae). In at least one individual the data is consistent with the variant being in trans (on the opposite chromosome) from a pathogenic variant. ClinVar contains an entry for this variant (Variation ID: 474308). In summary, the available evidence is currently insufficient to determine the role of this variant in disease. Therefore, it has been classified as a Variant of Uncertain Significance.